The following is an entry in ClinVar:

ClinVar aggregate classification (germline): Uncertain significance. Review status: criteria provided, multiple submitters, no conflicts (2 of 4 stars). 2 submissions from 2 submitters: Uncertain significance (2). Last evaluated 2023-12-04.

Conditions:
Hereditary cancer-predisposing syndrome. Also called: Hereditary Cancer Syndrome; Tumor predisposition; Neoplastic Syndromes, Hereditary; Hereditary neoplastic syndrome. Identifiers: Orphanet 140162, MedGen C0027672, MeSH D009386, MONDO:0015356.
Hereditary breast ovarian cancer syndrome. Also called: Hereditary breast and ovarian cancer syndrome (HBOC); Hereditary breast and/or ovarian cancer syndrome; BRCA1- and BRCA2-Associated Hereditary Breast and Ovarian Cancer; Hereditary breast and ovarian cancer syndrome; Hereditary breast and ovarian cancer; Breast and ovarian cancer. Identifiers: Orphanet 145, MedGen C0677776, MeSH D061325, MONDO:0003582. Disease mechanism: loss of function.

Submissions (2):

Ambry Genetics
Classification: Uncertain significance for Hereditary cancer-predisposing syndrome. Last evaluated: 2023-12-04. Review status: criteria provided, single submitter. Criteria: Ambry Variant Classification Scheme 2023. Collection method: clinical testing. Allele origin: germline.
Comment: The p.N1468T variant (also known as c.4403A>C), located in coding exon 12 of the BRCA1 gene, results from an A to C substitution at nucleotide position 4403. The asparagine at codon 1468 is replaced by threonine, an amino acid with similar properties. This amino acid position is conserved. In addition, the in silico prediction for this alteration is inconclusive. Since supporting evidence is limited at this time, the clinical significance of this alteration remains unclear.

Labcorp Genetics (formerly Invitae), Labcorp
Classification: Uncertain significance for Hereditary breast ovarian cancer syndrome. Last evaluated: 2020-09-23. Review status: criteria provided, single submitter. Criteria: Invitae Variant Classification Sherloc (09022015). Collection method: clinical testing. Allele origin: germline.
Comment: This sequence change replaces asparagine with threonine at codon 1468 of the BRCA1 protein (p.Asn1468Thr). The asparagine residue is moderately conserved and there is a small physicochemical difference between asparagine and threonine. In summary, the available evidence is currently insufficient to determine the role of this variant in disease. Therefore, it has been classified as a Variant of Uncertain Significance. Advanced modeling of protein sequence and biophysical properties (such as structural, functional, and spatial information, amino acid conservation, physicochemical variation, residue mobility, and thermodynamic stability) performed at Invitae indicates that this missense variant is not expected to disrupt BRCA1 protein function. This variant has not been reported in the literature in individuals with BRCA1-related conditions. This variant is not present in population databases (ExAC no frequency).

NM_007294.4(BRCA1):c.4403A>C (p.Asn1468Thr)

Gene: BRCA1 (BRCA1 DNA repair associated; minus strand). Cytogenetic location: 17q21.31.
Variant type: single nucleotide variant.
Coding change: c.4403A>C on transcript NM_007294.4 (MANE Select); coding-DNA position 4403, A replaced by C.
Protein change: p.Asn1468Thr; replaces asparagine 1468 with threonine.
Molecular consequence: missense variant. On other transcripts: non-coding transcript variant (1).
Genome position (GRCh38, 1-based): chr17:43,076,569, T>G on the plus strand (A>C on the coding strand, the complement: BRCA1 is on the minus strand). VCF-style: chr17-43076569-T-G. GRCh37 (hg19) VCF-style: chr17-41228586-T-G.
Other names: c.4190A>C, p.Asn1397Thr (NM_001407571.1, NM_001407894.1, NM_001407895.1 and 12 more transcripts); c.4469A>C, p.Asn1490Thr (NM_001407581.1, NM_001407582.1); c.4466A>C, p.Asn1489Thr (NM_001407583.1, NM_001407585.1, NM_001407587.1 and 1 more transcripts); c.4463A>C, p.Asn1488Thr (NM_001407590.1, NM_001407591.1); c.4403A>C, p.Asn1468Thr (NM_001407593.1, NM_001407594.1, NM_001407596.1 and 8 more transcripts); c.4400A>C, p.Asn1467Thr (NM_001407610.1, NM_001407611.1, NM_001407612.1 and 17 more transcripts); c.4397A>C, p.Asn1466Thr (NM_001407627.1, NM_001407628.1, NM_001407629.1 and 14 more transcripts); c.4394A>C, p.Asn1465Thr (NM_001407644.1, NM_001407645.1); and 68 more; short protein forms N1421T, N1468T, N1489T, N364T, N1172T, N1299T, N1356T, N1378T.
Identifiers: ClinVar variation 1014065 (VCV001014065.11), dbSNP rs778707598, ClinGen allele CA10592729.